The following is an entry in ClinVar:

ClinVar aggregate classification (germline): Likely benign (1 of 4 stars; one submission).

Conditions:
Hereditary breast ovarian cancer syndrome. Also called: Hereditary breast and/or ovarian cancer syndrome; BRCA1- and BRCA2-Associated Hereditary Breast and Ovarian Cancer; Hereditary breast and ovarian cancer syndrome; Hereditary breast and ovarian cancer; Hereditary breast and ovarian cancer syndrome (HBOC); Breast and ovarian cancer. Identifiers: Orphanet 145, MedGen C0677776, MeSH D061325, MONDO:0003582. Disease mechanism: loss of function.

Submissions (2):

Labcorp Genetics (formerly Invitae), Labcorp
Classification: Likely benign for Hereditary breast ovarian cancer syndrome. Last evaluated: 2022-08-26. Review status: criteria provided, single submitter. Criteria: Invitae Variant Classification Sherloc (09022015). Collection method: clinical testing. Allele origin: germline.

Brotman Baty Institute, University of Washington
No classification provided (evidence only). Condition: Breast-ovarian cancer, familial 1. Review status: no classification provided. Collection method: in vitro. Allele origin: not applicable. Functional consequence: functionally_normal. Not counted in ClinVar's aggregate classification.
ClinVar note: "not provided" was previously submitted as the classification for the variant. However, the classification appeared to be based only on an observation of functional data so it was converted to no classification on 2025-07-30.

NM_007294.4(BRCA1):c.5292A>C (p.Leu1764=)

Gene: BRCA1 (BRCA1 DNA repair associated; minus strand). Cytogenetic location: 17q21.31.
Variant type: single nucleotide variant.
Coding change: c.5292A>C on transcript NM_007294.4 (MANE Select); coding-DNA position 5292, A replaced by C.
Protein change: p.Leu1764=; no amino-acid change (leucine 1764 retained).
Molecular consequence: synonymous variant. On other transcripts: intron variant (2).
Genome position (GRCh38, 1-based): chr17:43,051,103, T>G on the plus strand (A>C on the coding strand, the complement: BRCA1 is on the minus strand). VCF-style: chr17-43051103-T-G. GRCh37 (hg19) VCF-style: chr17-41203120-T-G.
Other names: c.5214A>C, p.Leu1738= (NM_001407654.1, NM_001407655.1, NM_001407652.1 and 1 more transcripts); c.5211A>C, p.Leu1737= (NM_001407656.1, NM_001407657.1, NM_001407658.1); c.5208A>C, p.Leu1736= (NM_001407659.1, NM_001407660.1, NM_001407661.1 and 2 more transcripts); c.5169A>C, p.Leu1723= (NM_001407664.1, NM_001407665.1, NM_001407666.1 and 5 more transcripts); c.5166A>C, p.Leu1722= (NM_001407670.1, NM_001407671.1, NM_001407672.1 and 10 more transcripts); c.5163A>C, p.Leu1721= (NM_001407681.1, NM_001407682.1, NM_001407683.1 and 6 more transcripts); c.5160A>C, p.Leu1720= (NM_001407690.1, NM_001407691.1); c.5151A>C, p.Leu1717= (NM_001407692.1, NM_001407694.1, NM_001407695.1 and 13 more transcripts); and 74 more.
Identifiers: ClinVar variation 865269 (VCV000865269.8), dbSNP rs2051209584, ClinGen allele CA500143597.